The following is an entry in ClinVar:

NM_001367534.1(CAMK2G):c.1257G>A (p.Pro419=)

Gene: CAMK2G (calcium/calmodulin dependent protein kinase II gamma; minus strand). Cytogenetic location: 10q22.2.
Variant type: single nucleotide variant.
Coding change: c.1257G>A on transcript NM_001367534.1 (MANE Select); coding-DNA position 1257, G replaced by A.
Protein change: p.Pro419=; no amino-acid change (proline 419 retained).
Molecular consequence: synonymous variant. On other transcripts: non-coding transcript variant (4), intron variant (20).
Genome position (GRCh38, 1-based): chr10:73,819,638, C>T on the plus strand (G>A on the coding strand, the complement: CAMK2G is on the minus strand). VCF-style: chr10-73819638-C-T. GRCh37 (hg19) VCF-style: chr10-75579396-C-T.
Other names: c.1188G>A, p.Pro396= (NM_001320898.2, NM_001367546.1, NM_001367547.1); c.1137G>A, p.Pro379= (NM_001367514.1, NM_001367525.1); c.1125G>A, p.Pro375= (NM_001367518.1, NM_001367522.1); c.1119G>A, p.Pro373= (NM_001367520.1, NM_001367533.1); c.942G>A, p.Pro314= (NM_001367524.1); c.1161G>A, p.Pro387= (NM_001367526.1, NM_172171.3); c.1155G>A, p.Pro385= (NM_001367527.1); c.1092G>A, p.Pro364= (NM_001367528.1, NM_001367545.1); and 18 more.
Identifiers: ClinVar variation 4534516 (VCV004534516.6).
Genomic context (GRCh38, chr10:73,819,638, plus strand): 5'-GGCTGTTCTGTCCCGGGAGCTCCGTCCTTCAGGCACCGAGCTGCCATTCCCAGTGCGGAG[C>T]GGGGCAGCTAGCCAGCCAGGGCAGGGCAGGGCAGGGCAAGGCAGAGCAGCCAAAACAAAC-3'
Protein context (NP_001354463.1, residues 409-429): TTEDEDLKAA[Pro419=]LRTGNGSSVP

ClinVar aggregate classification (germline): Likely benign (1 of 4 stars; one submission).

gnomAD v4.1: 14 of 1,539,564 alleles (0.00091%); highest among the groups gnomAD compares: South Asian, 0.0048%; no homozygotes.

Submission:

CeGaT Center for Human Genetics Tuebingen
Classification: Likely benign. Last evaluated: 2025-10-01. Review status: criteria provided, single submitter. Criteria: CeGaT Center For Human Genetics Tuebingen Variant Classification Criteria Version 2. Collection method: clinical testing. Allele origin: germline. Affected: yes. Observed: 1 variant allele.
Comment: CAMK2G: BP4, BP7